The following is an entry in ClinVar:

ClinVar aggregate classification (germline): Uncertain significance (1 of 4 stars; one submission).

Conditions:
Cardiofaciocutaneous syndrome 3 (CFC3). Also called: MAP2K1-Related Cardiofaciocutaneous Syndrome. Identifiers: Orphanet 1340, MedGen C3809006, MONDO:0014113, OMIM 615279.

Submission:

St. Jude Molecular Pathology, St. Jude Children's Research Hospital
Classification: Uncertain significance for Cardiofaciocutaneous syndrome 3. Last evaluated: 2023-05-23. Review status: criteria provided, single submitter. Criteria: St. Jude Assertion Criteria 2020. Collection method: clinical testing. Allele origin: germline.
Comment: The MAP2K1 c.568+4A>G intronic change results in an A to G substitution at the +4 position of intron 5 of the MAP2K1 gene. Algorithms that predict the impact of sequence changes on splicing indicate that this variant does not affect splicing, and internal RNA data demonstrates normal splicing. This variant is absent in gnomAD v2.1.1. To our knowledge, this variant has not been reported in individuals with cardiofaciocutanous syndrome. In summary, the evidence currently available is insufficient to determine the clinical significance of this variant. It has therefore been classified as of uncertain significance.

NM_002755.4(MAP2K1):c.568+4A>G

Gene: MAP2K1 (mitogen-activated protein kinase kinase 1; plus strand). Cytogenetic location: 15q22.31.
Variant type: single nucleotide variant.
Coding change: c.568+4A>G on transcript NM_002755.4 (MANE Select); 4 bases into the intron after coding-DNA position 568, A replaced by G.
Molecular consequence: intron variant.
Genome position (GRCh38, 1-based): chr15:66,444,711, A>G. VCF-style: chr15-66444711-A-G. GRCh37 (hg19) VCF-style: chr15-66737049-A-G.
Other names: c.424+4A>G (NM_001411065.1).
Identifiers: ClinVar variation 2577894 (VCV002577894.1), dbSNP rs2545062036, ClinGen allele CA2580617487.